The following is an entry in ClinVar:

ClinVar aggregate classification (germline): Uncertain significance (1 of 4 stars; one submission).

Conditions:
Hereditary cancer-predisposing syndrome. Also called: Tumor predisposition; Hereditary neoplastic syndrome; Neoplastic Syndromes, Hereditary; Hereditary Cancer Syndrome. Identifiers: Orphanet 140162, MedGen C0027672, MeSH D009386, MONDO:0015356.

Submission:

Ambry Genetics
Classification: Uncertain significance for Hereditary cancer-predisposing syndrome. Last evaluated: 2019-10-28. Review status: criteria provided, single submitter. Criteria: Ambry Variant Classification Scheme 2023. Collection method: clinical testing. Allele origin: germline.
Comment: The p.T468A variant (also known as c.1402A>G), located in coding exon 9 of the FLCN gene, results from an A to G substitution at nucleotide position 1402. The threonine at codon 468 is replaced by alanine, an amino acid with similar properties. This amino acid position is highly conserved in available vertebrate species. In addition, the in silico prediction for this alteration is inconclusive. Since supporting evidence is limited at this time, the clinical significance of this alteration remains unclear.

NM_144997.7(FLCN):c.1402A>G (p.Thr468Ala)

Gene: FLCN (folliculin; minus strand). Cytogenetic location: 17p11.2.
Variant type: single nucleotide variant.
Coding change: c.1402A>G on transcript NM_144997.7 (MANE Select); coding-DNA position 1402, A replaced by G.
Protein change: p.Thr468Ala; replaces threonine 468 with alanine.
Molecular consequence: missense variant.
Genome position (GRCh38, 1-based): chr17:17,215,215, T>C on the plus strand (A>G on the coding strand, the complement: FLCN is on the minus strand). VCF-style: chr17-17215215-T-C. GRCh37 (hg19) VCF-style: chr17-17118529-T-C.
Other names: c.1456A>G, p.Thr486Ala (NM_001353229.2); c.1402A>G, p.Thr468Ala (NM_001353230.2, NM_001353231.2); short protein forms T486A, T468A.
Identifiers: ClinVar variation 819094 (VCV000819094.4), dbSNP rs1597579824, ClinGen allele CA398531182.
Genomic context (GRCh38, chr17:17,215,215, plus strand): 5'-AAAAAGGACACTCTGCCTGGGGGCACCCACCTCGGTCTGCAGCTACAGGGCTCCCACTGG[T>C]CACCACAAACTCGTACTTGCTGAGAGACTGGTCATCCTCACACCCCACAGGGTGGAGGGT-3'
Protein context (NP_659434.2, residues 458-478): QSLSKYEFVV[Thr468Ala]SGSPVAADRV